The following is an entry in ClinVar:

NM_000179.3(MSH6):c.628G>C (p.Val210Leu)

Gene: MSH6 (mutS homolog 6; plus strand). Cytogenetic location: 2p16.3.
Variant type: single nucleotide variant.
Coding change: c.628G>C on transcript NM_000179.3 (MANE Select); coding-DNA position 628, G replaced by C.
Protein change: p.Val210Leu; replaces valine 210 with leucine.
Molecular consequence: missense variant. On other transcripts: 5 prime UTR variant (8), non-coding transcript variant (4), intron variant (2).
Genome position (GRCh38, 1-based): chr2:47,798,611, G>C. VCF-style: chr2-47798611-G-C. GRCh37 (hg19) VCF-style: chr2-48025750-G-C.
Other names: c.238G>C, p.Val80Leu (NM_001281492.2); c.-279G>C (NM_001281493.2, NM_001406811.1, NM_001406812.1 and 5 more transcripts); c.724G>C, p.Val242Leu (NM_001406795.1, NM_001406802.1); c.628G>C, p.Val210Leu (NM_001406796.1, NM_001406798.1, NM_001406800.1 and 4 more transcripts); c.331G>C, p.Val111Leu (NM_001406797.1, NM_001406801.1, NM_001406805.1 and 10 more transcripts); c.103G>C, p.Val35Leu (NM_001406799.1, NM_001406806.1, NM_001406807.1); c.550G>C, p.Val184Leu (NM_001406804.1); c.634G>C, p.Val212Leu (NM_001406813.1); and 3 more; short protein forms V212L, V35L, V80L, V111L, V210L, V242L, V184L, V154L.
Identifiers: ClinVar variation 2709781 (VCV002709781.3), dbSNP rs936063254, ClinGen allele CA346739202.

ClinVar aggregate classification (germline): Uncertain significance (1 of 4 stars; one submission).

Conditions:
Hereditary nonpolyposis colorectal neoplasms. Identifiers: MedGen C0009405, MeSH D003123.

Submission:

Labcorp Genetics (formerly Invitae), Labcorp
Classification: Uncertain significance for Hereditary nonpolyposis colorectal neoplasms. Last evaluated: 2024-01-17. Review status: criteria provided, single submitter. Criteria: Invitae Variant Classification Sherloc (09022015). Collection method: clinical testing. Allele origin: germline.
Comment: This sequence change replaces valine, which is neutral and non-polar, with leucine, which is neutral and non-polar, at codon 210 of the MSH6 protein (p.Val210Leu). This variant is not present in population databases (gnomAD no frequency). This missense change has been observed in individual(s) with colon cancer (PMID: 28135145). An algorithm developed to predict the effect of missense changes on protein structure and function (PolyPhen-2) suggests that this variant is likely to be tolerated. In summary, the available evidence is currently insufficient to determine the role of this variant in disease. Therefore, it has been classified as a Variant of Uncertain Significance.

Literature cited by the submitters: PubMed 28135145.